The following is an entry in ClinVar:

ClinVar aggregate classification (germline): Uncertain significance (0 of 4 stars; one submission).

Conditions:
BPTF-related disorder. Also called: BPTF-related condition.

Allele frequency attached by ClinVar (database versions not stated): TOPMed below 0.00001.

Submission:

PreventionGenetics, part of Exact Sciences
Classification: Uncertain significance for BPTF-related condition. Last evaluated: 2023-10-20. Review status: no assertion criteria provided. Collection method: clinical testing. Allele origin: germline.
Comment: The BPTF c.77C>T variant is predicted to result in the amino acid substitution p.Pro26Leu. To our knowledge, this variant has not been reported in the literature or in a large population database, indicating this variant is rare. At this time, the clinical significance of this variant is uncertain due to the absence of conclusive functional and genetic evidence.

NM_182641.4(BPTF):c.77C>T (p.Pro26Leu)

Gene: BPTF (bromodomain PHD finger transcription factor; plus strand). Cytogenetic location: 17q24.2.
Variant type: single nucleotide variant.
Coding change: c.77C>T on transcript NM_182641.4 (MANE Select); coding-DNA position 77, C replaced by T.
Protein change: p.Pro26Leu; replaces proline 26 with leucine.
Molecular consequence: missense variant.
Genome position (GRCh38, 1-based): chr17:67,825,801, C>T. VCF-style: chr17-67825801-C-T. GRCh37 (hg19) VCF-style: chr17-65821917-C-T.
Other names: c.77C>T, p.Pro26Leu (NM_004459.7); short protein forms P26L.
Identifiers: ClinVar variation 3050421 (VCV003050421.2), dbSNP rs2055936755, ClinGen allele CA400715069.